The following is an entry in ClinVar:

ClinVar aggregate classification (germline): Uncertain significance (1 of 4 stars; one submission).

Conditions:
Early-infantile DEE. Also called: Ohtahara syndrome; Early infantile epileptic encephalopathy; Early infantile epileptic encephalopathy with suppression bursts. Identifiers: Orphanet 1934, MedGen C0393706, MONDO:0800491.

Allele frequency attached by ClinVar (database versions not stated): gnomAD exomes 0.00001; gnomAD 0.00001.
gnomAD v4.1: 12 of 1,614,084 alleles (0.00074%); highest among the groups gnomAD compares: East Asian, 0.0022%; no homozygotes.

Submission:

Labcorp Genetics (formerly Invitae), Labcorp
Classification: Uncertain significance for Early-infantile DEE. Last evaluated: 2023-02-03. Review status: criteria provided, single submitter. Criteria: Invitae Variant Classification Sherloc (09022015). Collection method: clinical testing. Allele origin: germline.
Comment: In summary, the available evidence is currently insufficient to determine the role of this variant in disease. Therefore, it has been classified as a Variant of Uncertain Significance. Algorithms developed to predict the effect of missense changes on protein structure and function (SIFT, PolyPhen-2, Align-GVGD) all suggest that this variant is likely to be disruptive. This variant has not been reported in the literature in individuals affected with SPTAN1-related conditions. This variant is present in population databases (no rsID available, gnomAD 0.005%). This sequence change replaces arginine, which is basic and polar, with histidine, which is basic and polar, at codon 1750 of the SPTAN1 protein (p.Arg1750His).

NM_001130438.3(SPTAN1):c.5249G>A (p.Arg1750His)

Gene: SPTAN1 (spectrin alpha, non-erythrocytic 1; plus strand). Cytogenetic location: 9q34.11.
Variant type: single nucleotide variant.
Coding change: c.5249G>A on transcript NM_001130438.3 (MANE Select); coding-DNA position 5249, G replaced by A.
Protein change: p.Arg1750His; replaces arginine 1750 with histidine.
Molecular consequence: missense variant.
Genome position (GRCh38, 1-based): chr9:128,615,732, G>A. VCF-style: chr9-128615732-G-A. GRCh37 (hg19) VCF-style: chr9-131378011-G-A.
Other names: c.5174G>A, p.Arg1725His (NM_001195532.2); c.5249G>A, p.Arg1750His (NM_001363759.2, NM_001375310.1, NM_001375311.2 and 1 more transcripts); c.5189G>A, p.Arg1730His (NM_001363765.2, NM_001375314.2); c.5285G>A, p.Arg1762His (NM_001375312.2, NM_001375318.1); c.5234G>A, p.Arg1745His (NM_003127.4); short protein forms R1745H, R1730H, R1725H, R1750H, R1762H.
Identifiers: ClinVar variation 2783162 (VCV002783162.3), dbSNP rs1161676352, ClinGen allele CA375074652.